The following is an entry in ClinVar:

NM_001287.6(CLCN7):c.1055T>C (p.Leu352Pro)

Gene: CLCN7 (chloride voltage-gated channel 7; minus strand). Cytogenetic location: 16p13.3.
Variant type: single nucleotide variant.
Coding change: c.1055T>C on transcript NM_001287.6 (MANE Select); coding-DNA position 1055, T replaced by C.
Protein change: p.Leu352Pro; replaces leucine 352 with proline.
Molecular consequence: missense variant.
Genome position (GRCh38, 1-based): chr16:1,455,177, A>G on the plus strand (T>C on the coding strand, the complement: CLCN7 is on the minus strand). VCF-style: chr16-1455177-A-G. GRCh37 (hg19) VCF-style: chr16-1505178-A-G.
Other names: c.983T>C, p.Leu328Pro (NM_001114331.3); short protein forms L328P, L352P.
Identifiers: ClinVar variation 2041076 (VCV002041076.4), dbSNP rs2505830896, ClinGen allele CA394189761.

ClinVar aggregate classification (germline): Uncertain significance (1 of 4 stars; one submission).

Allele frequency attached by ClinVar (database versions not stated): gnomAD exomes 0.00001.
gnomAD v4.1: 3 of 1,613,858 alleles (0.00019%); highest among the groups gnomAD compares: South Asian, 0.0011%; no homozygotes.

Submission:

Labcorp Genetics (formerly Invitae), Labcorp
Classification: Uncertain significance. Last evaluated: 2022-09-23. Review status: criteria provided, single submitter. Criteria: Invitae Variant Classification Sherloc (09022015). Collection method: clinical testing. Allele origin: germline.
Comment: This sequence change replaces leucine, which is neutral and non-polar, with proline, which is neutral and non-polar, at codon 352 of the CLCN7 protein (p.Leu352Pro). This variant is not present in population databases (gnomAD no frequency). This variant has not been reported in the literature in individuals affected with CLCN7-related conditions. Advanced modeling of protein sequence and biophysical properties (such as structural, functional, and spatial information, amino acid conservation, physicochemical variation, residue mobility, and thermodynamic stability) performed at Invitae indicates that this missense variant is expected to disrupt CLCN7 protein function. In summary, the available evidence is currently insufficient to determine the role of this variant in disease. Therefore, it has been classified as a Variant of Uncertain Significance.